The following is an entry in ClinVar:

ClinVar aggregate classification (germline): Uncertain significance. Review status: criteria provided, multiple submitters, no conflicts (2 of 4 stars). 2 submissions from 2 submitters: Uncertain significance (2). Last evaluated 2026-07-06.

Conditions:
Drash syndrome (DDS). Also called: NEPHROPATHY, WILMS TUMOR, AND GENITAL ANOMALIES; WILMS TUMOR AND PSEUDO- OR TRUE HERMAPHRODITISM. Identifiers: Orphanet 220, MedGen C0950121, MONDO:0008682, OMIM 194080.
Wilms tumor 1 (WT1). Also called: Wilms tumor, somatic. Identifiers: Orphanet 654, MedGen CN033288, MONDO:0008679, OMIM 194070.
11p partial monosomy syndrome (WAGR). Also called: WAGR Complex; WAGR Spectrum Disorder; CHROMOSOME 11p13 DELETION SYNDROME; WAGR syndrome. Identifiers: Orphanet 893, MedGen C0206115, MONDO:0008681, OMIM 194072.
Frasier syndrome. Identifiers: Orphanet 347, MedGen C0950122, MeSH D052159, MONDO:0007635, OMIM 136680.
Inborn genetic diseases. Identifiers: MedGen C0950123, MeSH D030342.

Submissions (2):

Ambry Genetics
Classification: Uncertain significance for Inborn genetic diseases. Last evaluated: 2026-07-06. Review status: criteria provided, single submitter. Criteria: Ambry Variant Classification Scheme 2023. Collection method: clinical testing. Allele origin: germline.
Comment: The p.S114L variant (also known as c.341C>T), located in coding exon 1 of the WT1 gene, results from a C to T substitution at nucleotide position 341. The serine at codon 114 is replaced by leucine, an amino acid with dissimilar properties. This amino acid position is conserved. In addition, this alteration is predicted to be tolerated by in silico analysis. Based on the available evidence, the clinical significance of this variant remains unclear.

Labcorp Genetics (formerly Invitae), Labcorp
Classification: Uncertain significance for Wilms tumor 1; Drash syndrome; 11p partial monosomy syndrome; Frasier syndrome. Last evaluated: 2023-10-09. Review status: criteria provided, single submitter. Criteria: Invitae Variant Classification Sherloc (09022015). Collection method: clinical testing. Allele origin: germline.
Comment: This sequence change replaces serine, which is neutral and polar, with leucine, which is neutral and non-polar, at codon 114 of the WT1 protein (p.Ser114Leu). This variant is not present in population databases (gnomAD no frequency). This variant has not been reported in the literature in individuals affected with WT1-related conditions. Advanced modeling of protein sequence and biophysical properties (such as structural, functional, and spatial information, amino acid conservation, physicochemical variation, residue mobility, and thermodynamic stability) has been performed at Invitae for this missense variant, however the output from this modeling did not meet the statistical confidence thresholds required to predict the impact of this variant on WT1 protein function. In summary, the available evidence is currently insufficient to determine the role of this variant in disease. Therefore, it has been classified as a Variant of Uncertain Significance.

NM_024426.6(WT1):c.356C>T (p.Ser119Leu)

Genes: WT1 (WT1 transcription factor; minus strand), LOC107982234 (WT1/WT1-AS bi-directional promoter region; plus strand). Cytogenetic location: 11p13.
Variant type: single nucleotide variant.
Coding change: c.356C>T on transcript NM_024426.6 (MANE Select); coding-DNA position 356, C replaced by T.
Protein change: p.Ser119Leu; replaces serine 119 with leucine.
Molecular consequence: missense variant. On other transcripts: non-coding transcript variant (2).
Genome position (GRCh38, 1-based): chr11:32,435,005, G>A on the plus strand (C>T on the coding strand, the complement: WT1 is on the minus strand). VCF-style: chr11-32435005-G-A. GRCh37 (hg19) VCF-style: chr11-32456551-G-A.
Other names: c.341C>T (NM_024426.4); c.356C>T, p.Ser119Leu (NM_001407045.1, NM_001407046.1, NM_001407047.1 and 6 more transcripts); c.341C>T, p.Ser114Leu (NM_024425.2); short protein forms S119L, S114L.
Identifiers: ClinVar variation 2952202 (VCV002952202.4), dbSNP rs1853456180, ClinGen allele CA379965860.